The following is an entry in ClinVar:

NC_000005.9:g.(?_126113201)_(126253863_?)dup

Genes: LMNB1 (lamin B1; plus strand), MARCHF3 (membrane associated ring-CH-type finger 3; minus strand). Cytogenetic location: 5q23.2.
Variant type: Duplication.
Identifiers: ClinVar variation 1460260 (VCV001460260.5).

ClinVar aggregate classification (germline): Pathogenic (1 of 4 stars; one submission).

Submission:

Labcorp Genetics (formerly Invitae), Labcorp
Classification: Pathogenic. Last evaluated: 2024-01-03. Review status: criteria provided, single submitter. Criteria: Invitae Variant Classification Sherloc (09022015). Collection method: clinical testing. Allele origin: germline.
Comment: A copy number gain of the genomic region encompassing the full coding sequence of the LMNB1 gene has been identified. The boundaries of this event are unknown as they extend beyond the assayed region for this gene and therefore may encompass additional genes. As the precise location of this event is unknown, it may be in tandem or it may be located elsewhere in the genome. A similar copy number variant has been observed in individuals with LMNB1-related leukodystrophy (PMID: 21909802, 23649844, 23681646). It has also been observed to segregate with disease in related individuals. For these reasons, this variant has been classified as Pathogenic.

Literature cited by the submitters: PubMed 21909802; PubMed 23649844; PubMed 23681646.